The following is an entry in ClinVar:

ClinVar aggregate classification (germline): Uncertain significance (1 of 4 stars; one submission).

Conditions:
Microphthalmia, isolated, with coloboma 6 (MCOPCB6). Also called: MICROPHTHALMIA/COLOBOMA 6; Microphthalmia with coloboma 6, digenic; Microphthalmia with coloboma 6. Identifiers: Orphanet 98938, MedGen C3150968, MONDO:0013376, OMIM 613703.
Leber congenital amaurosis 17 (LCA17). Identifiers: Orphanet 65, MedGen C3715164, MONDO:0014145, OMIM 615360.
Isolated microphthalmia 4. Identifiers: Orphanet 2542, MedGen C2751307, MONDO:0013130, OMIM 613094.
Klippel-Feil syndrome 1, autosomal dominant (KFS1). Also called: CERVICAL VERTEBRAL FUSION, AUTOSOMAL DOMINANT. Identifiers: Orphanet 2345, MedGen C1861689, MONDO:0007306, OMIM 118100.

Submission:

Labcorp Genetics (formerly Invitae), Labcorp
Classification: Uncertain significance for Isolated microphthalmia 4; Leber congenital amaurosis 17; Klippel-Feil syndrome 1, autosomal dominant; Microphthalmia, isolated, with coloboma 6. Last evaluated: 2024-06-20. Review status: criteria provided, single submitter. Criteria: Invitae Variant Classification Sherloc (09022015). Collection method: clinical testing. Allele origin: germline.
Comment: This sequence change replaces proline, which is neutral and non-polar, with serine, which is neutral and polar, at codon 21 of the GDF6 protein (p.Pro21Ser). This variant is present in population databases (rs375724225, gnomAD 0.007%). This variant has not been reported in the literature in individuals affected with GDF6-related conditions. An algorithm developed to predict the effect of missense changes on protein structure and function (PolyPhen-2) suggests that this variant is likely to be disruptive. In summary, the available evidence is currently insufficient to determine the role of this variant in disease. Therefore, it has been classified as a Variant of Uncertain Significance.

NM_001001557.4(GDF6):c.61C>T (p.Pro21Ser)

Gene: GDF6 (growth differentiation factor 6; minus strand). Cytogenetic location: 8q22.1.
Variant type: single nucleotide variant.
Coding change: c.61C>T on transcript NM_001001557.4 (MANE Select); coding-DNA position 61, C replaced by T.
Protein change: p.Pro21Ser; replaces proline 21 with serine.
Molecular consequence: missense variant.
Genome position (GRCh38, 1-based): chr8:96,160,632, G>A on the plus strand (C>T on the coding strand, the complement: GDF6 is on the minus strand). VCF-style: chr8-96160632-G-A. GRCh37 (hg19) VCF-style: chr8-97172860-G-A.
Other names: short protein forms P21S.
Identifiers: ClinVar variation 3757932 (VCV003757932.2).